The following is an entry in ClinVar:

NM_000465.4(BARD1):c.1694G>A (p.Arg565His)

Gene: BARD1 (BRCA1 associated RING domain 1; minus strand). Cytogenetic location: 2q35.
Variant type: single nucleotide variant.
Coding change: c.1694G>A on transcript NM_000465.4 (MANE Select); coding-DNA position 1694, G replaced by A.
Protein change: p.Arg565His; replaces arginine 565 with histidine.
Molecular consequence: missense variant. On other transcripts: non-coding transcript variant (3), intron variant (1).
Genome position (GRCh38, 1-based): chr2:214,745,838, C>T on the plus strand (G>A on the coding strand, the complement: BARD1 is on the minus strand). VCF-style: chr2-214745838-C-T. GRCh37 (hg19) VCF-style: chr2-215610562-C-T.
Other names: p.R565H:CGT>CAT; c.1637G>A, p.Arg546His (NM_001282543.2); c.341G>A, p.Arg114His (NM_001282545.2); c.284G>A, p.Arg95His (NM_001282548.2); c.365-15330G>A (NM_001282549.2); short protein forms R565H, R546H, R114H, R95H.
Identifiers: ClinVar variation 127721 (VCV000127721.63), dbSNP rs146946984, ClinGen allele CA287520.

ClinVar aggregate classification (germline): Conflicting classifications of pathogenicity. Review status: criteria provided, conflicting classifications (1 of 4 stars). 20 submissions from 20 submitters: Uncertain significance (3); Benign (3); Likely benign (12). 2 of the submissions do not count toward it. Last evaluated 2026-01-31.

Conditions:
BARD1-related disorder. Also called: BARD1-related condition.
Hereditary cancer-predisposing syndrome. Also called: Tumor predisposition; Hereditary neoplastic syndrome; Neoplastic Syndromes, Hereditary; Hereditary Cancer Syndrome. Identifiers: Orphanet 140162, MedGen C0027672, MeSH D009386, MONDO:0015356.
Familial cancer of breast. Also called: Hereditary breast cancer; hereditary breast carcinoma; BREAST CANCER, FAMILIAL. Identifiers: Orphanet 227535, MedGen C0346153, MONDO:0016419, OMIM 114480. Disease mechanism: loss of function.
Malignant tumor of breast. Also called: Malignant breast neoplasm; Cancer breast. Identifiers: MedGen C0006142, MONDO:0007254. Disease mechanism: loss of function.

Allele frequency attached by ClinVar (database versions not stated): gnomAD 0.00009 and 0.00012; TOPMed 0.00010; 1000 Genomes Project 30x 0.00016; 1000 Genomes Project 0.00020; ESP Exome Variant Server 0.00023; gnomAD exomes 0.00041; ExAC 0.00044.
gnomAD v4.1: 340 of 1,614,046 alleles (0.021%); highest among the groups gnomAD compares: South Asian, 0.17%; 3 homozygotes.

Submissions (20):

Labcorp Genetics (formerly Invitae), Labcorp
Classification: Likely benign for Familial cancer of breast. Last evaluated: 2026-01-31. Review status: criteria provided, single submitter. Criteria: Invitae Variant Classification Sherloc (09022015). Collection method: clinical testing. Allele origin: germline.

Dasa
Classification: Likely benign. Last evaluated: 2025-12-23. Review status: criteria provided, single submitter. Criteria: DASA Assertion Criteria. Collection method: clinical testing. Allele origin: germline.
Comment: NM_000465.4(BARD1):c.1694G>A (p.Arg565His) is a missense variant that results in the substitution of arginine with histidine. Population frequency is inconsistent with a disease-causing role for this variant, and observations in unaffected individuals support a benign interpretation. Therefore, based on the currently available evidence, this variant is classified as likely benign.

Quest Diagnostics Nichols Institute San Juan Capistrano
Classification: Benign. Last evaluated: 2025-07-16. Review status: criteria provided, single submitter. Criteria: Quest Diagnostics criteria. Collection method: clinical testing. Allele origin: unknown.

Center for Genomic Medicine, Rigshospitalet, Copenhagen University Hospital
Classification: Uncertain significance. Last evaluated: 2025-03-04. Review status: criteria provided, single submitter. Criteria: ACMG Guidelines, 2015. Collection method: clinical testing. Allele origin: germline.

Blueprint Genetics
Classification: Likely benign. Last evaluated: 2024-11-25. Review status: criteria provided, single submitter. Criteria: ACMG Guidelines, 2015. Collection method: clinical testing. Allele origin: germline.

CeGaT Center for Human Genetics Tuebingen
Classification: Likely benign. Last evaluated: 2024-11-01. Review status: criteria provided, single submitter. Criteria: CeGaT Center For Human Genetics Tuebingen Variant Classification Criteria Version 2. Collection method: clinical testing. Allele origin: germline. Affected: yes. Observed: 1 variant allele.
Comment: BARD1: PM5, BP4, BS1

Color Diagnostics, LLC DBA Color Health
Classification: Likely benign for Hereditary cancer-predisposing syndrome. Last evaluated: 2024-09-19. Review status: criteria provided, single submitter. Criteria: ACMG Guidelines, 2015. Collection method: clinical testing. Allele origin: germline.

Myriad Genetics, Inc.
Classification: Likely benign for Familial cancer of breast. Last evaluated: 2024-07-26. Review status: criteria provided, single submitter. Criteria: Myriad Autosomal Dominant, Autosomal Recessive and X-Linked Classification Criteria (2023). Collection method: clinical testing. Allele origin: unknown.
Comment: This variant is considered likely benign. This variant is strongly associated with less severe personal and family histories of cancer, typical for individuals without pathogenic variants in this gene [PMID: 25085752].

ARUP Laboratories, Molecular Genetics and Genomics, ARUP Laboratories
Classification: Likely benign for Familial cancer of breast. Last evaluated: 2024-04-25. Review status: criteria provided, single submitter. Criteria: ARUP Molecular Germline Variant Investigation Process 2024. Collection method: clinical testing. Allele origin: germline.

Mendelics
Classification: Benign for Familial cancer of breast. Last evaluated: 2023-08-22. Review status: criteria provided, single submitter. Criteria: Mendelics Assertion Criteria 2019. Collection method: clinical testing. Allele origin: germline.

Institute for Biomarker Research, Medical Diagnostic Laboratories, L.L.C.
Classification: Benign for Hereditary cancer-predisposing syndrome. Last evaluated: 2023-06-22. Review status: criteria provided, single submitter. Criteria: ACMG Guidelines, 2015. Collection method: clinical testing. Allele origin: germline.

Ambry Genetics
Classification: Likely benign for Hereditary cancer-predisposing syndrome. Last evaluated: 2021-12-03. Review status: criteria provided, single submitter. Criteria: Ambry Variant Classification Scheme 2023. Collection method: clinical testing. Allele origin: germline.

Institute for Clinical Genetics, University Hospital TU Dresden, University Hospital TU Dresden
Classification: Uncertain significance. Last evaluated: 2021-11-03. Review status: criteria provided, single submitter. Criteria: ACMG Guidelines, 2015. Collection method: clinical testing. Allele origin: germline.

Sema4
Classification: Likely benign for Hereditary cancer-predisposing syndrome. Last evaluated: 2021-05-30. Review status: criteria provided, single submitter. Criteria: Sema4 Curation Guidelines. Collection method: curation. Allele origin: germline.

GeneDx
Classification: Likely benign. Last evaluated: 2020-09-09. Review status: criteria provided, single submitter. Criteria: GeneDx Variant Classification Process June 2021. Collection method: clinical testing. Allele origin: germline. Affected: yes.
Comment: In silico analysis, which includes protein predictors and evolutionary conservation, supports that this variant does not alter protein structure/function; Observed in individuals with breast or ovarian cancer (Gorringe 2008, Ramus 2015, Tung 2015); Published functional studies demonstrate no damaging effect: HDR similar to wild type; This variant is associated with the following publications: (PMID: 17972171, 23056176, 27621404, 26315354, 27878467, 25186627, 30925164)

Centre for Mendelian Genomics, University Medical Centre Ljubljana
Classification: Uncertain significance for Familial cancer of breast. Last evaluated: 2019-09-16. Review status: criteria provided, single submitter. Criteria: ACMG Guidelines, 2015. Collection method: clinical testing. Allele origin: unknown. Affected: yes.
Comment: This variant was classified as: Uncertain significance. The available evidence on this variant's pathogenicity is insufficient or conflicting. The following ACMG criteria were applied in classifying this variant: No criteria apply.

Women's Health and Genetics/Laboratory Corporation of America, LabCorp
Classification: Likely benign. Last evaluated: 2019-05-17. Review status: criteria provided, single submitter. Criteria: LabCorp Variant Classification Summary - May 2015. Collection method: clinical testing. Allele origin: germline.
Comment: Variant summary: BARD1 c.1694G>A (p.Arg565His) results in a non-conservative amino acid change located in the BRCT domain (IPR001357) of the encoded protein sequence. Three of five in-silico tools predict a damaging effect of the variant on protein function. The variant allele was found at a frequency of 0.00041 in 251836 control chromosomes, predominantly at a frequency of 0.0022 within the South Asian subpopulation in the gnomAD database. The observed variant frequency within South Asian control individuals in the gnomAD database is approximately 9 fold of the estimated maximal expected allele frequency for a pathogenic variant in BARD1 causing Hereditary Breast and Ovarian Cancer phenotype (0.00025), strongly suggesting that the variant is a benign polymorphism found primarily in populations of South Asian origin. The variant, c.1694G>A, has been reported in the literature in individuals affected with breast and/or ovarian Cancer (Ramus_2015, Gorringe_2008, Yadav_2016, Tung_2015). These reports do not provide unequivocal conclusions about association of the variant with Hereditary Breast and Ovarian Cancer. At least one publication, Adamovich_2019, reported the HDR activity of the variant protein was 60% of normal. Six clinical diagnostic laboratories have submitted clinical-significance assessments for this variant to ClinVar after 2014 without evidence for independent evaluation (VUS (n=5), Likely benign (n=1)). Based on the evidence outlined above, the variant was classified as likely benign.

Illumina Laboratory Services, Illumina
Classification: Likely benign for Familial cancer of breast. Last evaluated: 2018-01-13. Review status: criteria provided, single submitter. Criteria: ICSL Variant Classification Criteria 13 December 2019. Collection method: clinical testing. Allele origin: germline.
Comment: This variant was observed in the ICSL laboratory as part of a predisposition screen in an ostensibly healthy population. It had not been previously curated by ICSL or reported in the Human Gene Mutation Database (HGMD: prior to June 1st, 2018), and was therefore a candidate for classification through an automated scoring system. Utilizing variant allele frequency, disease prevalence and penetrance estimates, and inheritance mode, an automated score was calculated to assess if this variant is too frequent to cause the disease. Based on the score and internal cut-off values, a variant classified as likely benign is not then subjected to further curation. The score for this variant resulted in a classification of likely benign for this disease.

PreventionGenetics, part of Exact Sciences
Classification: Likely benign for BARD1-related condition. Last evaluated: 2020-02-03. Review status: no assertion criteria provided. Collection method: clinical testing. Allele origin: germline. Not counted in ClinVar's aggregate classification.
Comment: This variant is classified as likely benign based on ACMG/AMP sequence variant interpretation guidelines (Richards et al. 2015 PMID: 25741868, with internal and published modifications).

Department of Pathology and Laboratory Medicine, Sinai Health System
Classification: Uncertain significance for Malignant tumor of breast. Review status: no assertion criteria provided. Collection method: clinical testing. Allele origin: unknown. Affected: yes. Study: The Canadian Open Genetics Repository (COGR). Not counted in ClinVar's aggregate classification.
Comment: The BARD1 p.Arg565His variant was identified in 6 of 7136 proband chromosomes (frequency: 0.0008) from individuals or families with breast cancer (familial, sporadic or BRCA1/2 negative) or ovarian cancer and was not identified in 7490 control chromosomes from healthy individuals (Gorringe 2008, Ramus 2015, Yadav 2017). The variant was also identified in dbSNP (ID: rs146946984) â€šÃ„ÃºWith Uncertain significance alleleâ€šÃ„Ã¹, ClinVar (classified as likely benign by Invitae and Integrated Genetics; and as uncertain significance by GeneDx, Ambry Genetics, and three other submitters). The variant was identified in control databases in 103 of 277048 chromosomes at a frequency of 0.0004 (Genome Aggregation Database Feb 27, 2017). The variant was observed in the following populations: South Asian in 71 of 30780 chromosomes (freq: 0.002), Ashkenazi Jewish in 13 of 10148 chromosomes (freq: 0.001), Other in 1 of 6458 chromosomes (freq: 0.0002), Latino in 3 of 34418 chromosomes (freq: 0.00009), European Non-Finnish in 13 of 126568 chromosomes (freq: 0.0001), and East Asian in 2 of 18866 chromosomes (freq: 0.0001), while it was not observed in the African or Finnish populations. The p.Arg565 residue is conserved in mammals but not in more distantly related organisms; however, four out of five computational analyses (PolyPhen-2, SIFT, AlignGVGD, BLOSUM, MutationTaster) do not suggest a high likelihood that the His variant impacts the protein; this information is not predictive enough to rule out pathogenicity. The variant occurs outside of the splicing consensus sequence and in silico or computational prediction software programs (SpliceSiteFinder, MaxEntScan, NNSPLICE, GeneSplicer) do not predict a difference in splicing. In summary, based on the above information, the clinical significance of this variant cannot be determined with certainty at this time. This variant is classified as a variant of uncertain significance.

Literature cited by the submitters: PubMed 25186627 (cited by 4 submitters); PubMed 26315354 (cited by 5 submitters); PubMed 30925164 (cited by 5 submitters); PubMed 33471991 (cited by Quest Diagnostics Nichols Institute San Juan Capistrano and Ambry Genetics); PubMed 33309985 (cited by Quest Diagnostics Nichols Institute San Juan Capistrano and Ambry Genetics); PubMed 32885271 (cited by Quest Diagnostics Nichols Institute San Juan Capistrano and Ambry Genetics); PubMed 17972171 (cited by 4 submitters); PubMed 27878467 (cited by 3 submitters); PubMed 23056176 (cited by Quest Diagnostics Nichols Institute San Juan Capistrano); PubMed 25085752 (cited by Myriad Genetics, Inc.); PubMed 32984025 (cited by Ambry Genetics).